The following is an entry in ClinVar:

NM_021942.6(TRAPPC11):c.2059_2064del (p.Val687_Asp688del)

Gene: TRAPPC11 (trafficking protein particle complex subunit 11; plus strand). Cytogenetic location: 4q35.1.
Variant type: Deletion.
Coding change: c.2059_2064del on transcript NM_021942.6 (MANE Select); coding-DNA positions 2059 to 2064, 6 bases deleted (GTGGAT; older notation c.2059_2064delGTGGAT).
Protein change: p.Val687_Asp688del.
Molecular consequence: inframe deletion.
Genome position (GRCh38, 1-based): chr4:183,692,969-183,692,974, GTGGAT deleted. VCF-style (leftmost placement, unchanged base first): chr4-183692968-AGTGGAT-A. GRCh37 (hg19) VCF-style: chr4-184614121-AGTGGAT-A.
Other names: c.2059_2064del, p.Val687_Asp688del (NM_199053.3).
Identifiers: ClinVar variation 1470165 (VCV001470165.8), dbSNP rs2111064799, ClinGen allele CA2573138143.

ClinVar aggregate classification (germline): Uncertain significance (1 of 4 stars; one submission).

Conditions:
Autosomal recessive limb-girdle muscular dystrophy type R18 (LGMDR18). Also called: Limb-girdle muscular dystrophy, type 2S; MUSCULAR DYSTROPHY, LIMB-GIRDLE, AUTOSOMAL RECESSIVE 18; Autosomal recessive limb-girdle muscular dystrophy type 2S. Identifiers: Orphanet 369840, MedGen C4517996, MONDO:0014144, OMIM 615356.

Allele frequency attached by ClinVar (database versions not stated): gnomAD exomes below 0.00001.

Submission:

Labcorp Genetics (formerly Invitae), Labcorp
Classification: Uncertain significance for Autosomal recessive limb-girdle muscular dystrophy type R18. Last evaluated: 2020-11-06. Review status: criteria provided, single submitter. Criteria: Invitae Variant Classification Sherloc (09022015). Collection method: clinical testing. Allele origin: germline.
Comment: In summary, the available evidence is currently insufficient to determine the role of this variant in disease. Therefore, it has been classified as a Variant of Uncertain Significance. This variant is not present in population databases (ExAC no frequency). Experimental studies and prediction algorithms are not available or were not evaluated, and the functional significance of this variant is currently unknown. This variant has not been reported in the literature in individuals with TRAPPC11-related conditions. This variant, c.2059_2064del, results in the deletion of 2 amino acid(s) of the TRAPPC11 protein (p.Val687_Asp688del), but otherwise preserves the integrity of the reading frame.